The following is an entry in ClinVar:

ClinVar aggregate classification (germline): Likely benign (1 of 4 stars; one submission).

Allele frequency attached by ClinVar (database versions not stated): ESP Exome Variant Server 0.00008.

Submission:

CeGaT Center for Human Genetics Tuebingen
Classification: Likely benign. Last evaluated: 2023-07-01. Review status: criteria provided, single submitter. Criteria: CeGaT Center For Human Genetics Tuebingen Variant Classification Criteria Version 2. Collection method: clinical testing. Allele origin: germline. Affected: yes. Observed: 1 variant allele.
Comment: CAPN15: BP4

NM_005632.3(CAPN15):c.391A>G (p.Lys131Glu)

Gene: CAPN15 (calpain 15; plus strand). Cytogenetic location: 16p13.3.
Variant type: single nucleotide variant.
Coding change: c.391A>G on transcript NM_005632.3 (MANE Select); coding-DNA position 391, A replaced by G.
Protein change: p.Lys131Glu; replaces lysine 131 with glutamic acid.
Molecular consequence: missense variant.
Genome position (GRCh38, 1-based): chr16:547,229, A>G. VCF-style: chr16-547229-A-G. GRCh37 (hg19) VCF-style: chr16-597229-A-G.
Other names: short protein forms K131E.
Identifiers: ClinVar variation 2645793 (VCV002645793.24), dbSNP rs199656743, ClinGen allele CA7778062.